The following is an entry in ClinVar:

ClinVar aggregate classification (germline): Pathogenic (1 of 4 stars; one submission).

Conditions:
Familial thoracic aortic aneurysm and aortic dissection (TAAD). Also called: Thoracic aortic aneurysms and dissections. Identifiers: Orphanet 91387, MedGen C4707243, MONDO:0019625.

Submission:

Ambry Genetics
Classification: Pathogenic for Familial thoracic aortic aneurysm and aortic dissection. Last evaluated: 2018-03-20. Review status: criteria provided, single submitter. Criteria: Ambry Variant Classification Scheme 2023. Collection method: clinical testing. Allele origin: germline.
Comment: The c.3821delA pathogenic mutation, located in coding exon 30 of the FBN1 gene, results from a deletion of one nucleotide at nucleotide position 3821, causing a translational frameshift with a predicted alternate stop codon (p.D1274Afs*2). This alteration is expected to result in loss of function by premature protein truncation or nonsense-mediated mRNA decay. As such, this alteration is interpreted as a disease-causing mutation.

NM_000138.5(FBN1):c.3821del (p.Asp1274fs)

Gene: FBN1 (fibrillin 1; minus strand). Cytogenetic location: 15q21.1.
Variant type: Deletion.
Coding change: c.3821del on transcript NM_000138.5 (MANE Select); coding-DNA position 3821, one base deleted (A; older notation c.3821delA).
Protein change: p.Asp1274fs; shifts the reading frame from aspartic acid 1274.
Molecular consequence: frameshift variant.
Genome position (GRCh38, 1-based): chr15:48,483,835, T deleted on the plus strand (A on the coding strand, the reverse complement: FBN1 is on the minus strand). VCF-style (leftmost placement, unchanged base first): chr15-48483834-GT-G. GRCh37 (hg19) VCF-style: chr15-48776031-GT-G.
Other names: c.3821delA, p.Asp1274Alafs (NM_001406716.1); short protein forms D1274fs.
Identifiers: ClinVar variation 1735272 (VCV001735272.2), dbSNP rs2505540699, ClinGen allele CA2580089559.